The following is an entry in ClinVar:

Single allele

Variant type: Deletion.
Identifiers: ClinVar variation 156979 (VCV000156979.2).

ClinVar aggregate classification (germline): not provided (0 of 4 stars; one submission).

Conditions:
Normal pregnancy. Identifiers: MedGen C0232989.

Submission:

Institute of Molecular and Cell Biology, University of Tartu
No classification provided. Condition: Normal pregnancy. Review status: no classification provided. Collection method: case-control. Allele origin: unknown. Affected: yes. Study: Kasak2014.
Comment: The study aimed to determine the contribution of copy number variants in the genetic etiology of normal and complicated pregnancies. The samples represented (i) maternal blood DNA drawn from healthy pregnant women during 1st or 2nd trimester and (ii) maternal and paternal blood DNA drawn at term pregnancy cases representing normal and complicated gestations (severe preeclampsia, PE; gestational diabetes, GD; small-for-gestational age newborn, SGA; large-for-gestational age newborn, LGA). We performed CNV calling based on genome-wide genotyping dataset (Illumina HumanOmniExpress-24-v1 BeadChip) by applying three algorithms, QuantiSNP, GADA (Genome Alteration Detection Algorithm) and CNstream in parallel. The acquired CNV calls were merged with HD-CNV (Hotspot Detector for Copy Number Variants) program and only the CNVs predicted by at least two programs, were considered in subsequent analysis.

Literature cited by the submitters: PubMed 25666259.